The following is an entry in ClinVar:

ClinVar aggregate classification (germline): Pathogenic (1 of 4 stars; one submission).

Conditions:
Primary ciliary dyskinesia. Also called: Ciliary dyskinesia. Identifiers: Orphanet 244, MedGen C0008780, MONDO:0016575, HP:0012265.

Submission:

Labcorp Genetics (formerly Invitae), Labcorp
Classification: Pathogenic for Primary ciliary dyskinesia. Last evaluated: 2024-02-19. Review status: criteria provided, single submitter. Criteria: Invitae Variant Classification Sherloc (09022015). Collection method: clinical testing. Allele origin: germline.
Comment: This sequence change creates a premature translational stop signal (p.Glu674Asnfs*6) in the DNAH11 gene. It is expected to result in an absent or disrupted protein product. Loss-of-function variants in DNAH11 are known to be pathogenic (PMID: 18022865, 20513915, 22184204). This variant is not present in population databases (gnomAD no frequency). This variant has not been reported in the literature in individuals affected with DNAH11-related conditions. Algorithms developed to predict the effect of sequence changes on RNA splicing suggest that this variant may disrupt the consensus splice site. For these reasons, this variant has been classified as Pathogenic.

Literature cited by the submitters: PubMed 18022865; PubMed 20513915; PubMed 22184204.

NM_001277115.2(DNAH11):c.2020_2021del (p.Glu674fs)

Gene: DNAH11 (dynein axonemal heavy chain 11; plus strand). Cytogenetic location: 7p15.3.
Variant type: Deletion.
Coding change: c.2020_2021del on transcript NM_001277115.2 (MANE Select); coding-DNA positions 2020 to 2021, 2 bases deleted (GA; older notation c.2020_2021delGA).
Protein change: p.Glu674fs; shifts the reading frame from glutamic acid 674.
Molecular consequence: frameshift variant.
Genome position (GRCh38, 1-based): chr7:21,589,254-21,589,255, GA deleted. VCF-style (leftmost placement, unchanged base first): chr7-21589253-TGA-T. GRCh37 (hg19) VCF-style: chr7-21628871-TGA-T.
Other names: short protein forms E674fs.
Identifiers: ClinVar variation 3642027 (VCV003642027.2).